The following is an entry in ClinVar:

NM_000548.5(TSC2):c.4390T>A (p.Ser1464Thr)

Gene: TSC2 (TSC complex subunit 2; plus strand). Cytogenetic location: 16p13.3.
Variant type: single nucleotide variant.
Coding change: c.4390T>A on transcript NM_000548.5 (MANE Select); coding-DNA position 4390, T replaced by A.
Protein change: p.Ser1464Thr; replaces serine 1464 with threonine.
Molecular consequence: missense variant. On other transcripts: non-coding transcript variant (5).
Genome position (GRCh38, 1-based): chr16:2,084,612, T>A. VCF-style: chr16-2084612-T-A. GRCh37 (hg19) VCF-style: chr16-2134613-T-A.
Other names: c.4189T>A, p.Ser1397Thr (NM_001077183.3); c.4321T>A, p.Ser1441Thr (NM_001114382.3); c.4081T>A, p.Ser1361Thr (NM_001318827.2); c.4045T>A, p.Ser1349Thr (NM_001318829.2); c.3658T>A, p.Ser1220Thr (NM_001318831.2); c.4222T>A, p.Ser1408Thr (NM_001318832.2); c.4192T>A, p.Ser1398Thr (NM_001363528.2); c.4258T>A, p.Ser1420Thr (NM_001370404.1); and 26 more; short protein forms S1349T, S1361T, S1393T, S1404T, S1408T, S1464T, S949T, S973T.
Identifiers: ClinVar variation 2697553 (VCV002697553.3), dbSNP rs2544283370, ClinGen allele CA394301870.

ClinVar aggregate classification (germline): Uncertain significance (1 of 4 stars; one submission).

Conditions:
Tuberous sclerosis 2 (TSC2). Identifiers: Orphanet 805, MedGen C1860707, MONDO:0013199, OMIM 613254.

Submission:

Labcorp Genetics (formerly Invitae), Labcorp
Classification: Uncertain significance for Tuberous sclerosis 2. Last evaluated: 2023-11-20. Review status: criteria provided, single submitter. Criteria: Invitae Variant Classification Sherloc (09022015). Collection method: clinical testing. Allele origin: germline.
Comment: This sequence change replaces serine, which is neutral and polar, with threonine, which is neutral and polar, at codon 1464 of the TSC2 protein (p.Ser1464Thr). This variant is not present in population databases (gnomAD no frequency). This variant has not been reported in the literature in individuals affected with TSC2-related conditions. Advanced modeling of protein sequence and biophysical properties (such as structural, functional, and spatial information, amino acid conservation, physicochemical variation, residue mobility, and thermodynamic stability) performed at Invitae indicates that this missense variant is not expected to disrupt TSC2 protein function with a negative predictive value of 95%. In summary, the available evidence is currently insufficient to determine the role of this variant in disease. Therefore, it has been classified as a Variant of Uncertain Significance.